The following is an entry in ClinVar:

NM_000257.4(MYH7):c.2286+1G>T

Gene: MYH7 (myosin heavy chain 7; minus strand). Cytogenetic location: 14q11.2.
Variant type: single nucleotide variant.
Coding change: c.2286+1G>T on transcript NM_000257.4 (MANE Select); the canonical splice donor site of the intron after coding-DNA position 2286, G replaced by T.
Molecular consequence: splice donor variant.
Genome position (GRCh38, 1-based): chr14:23,425,694, C>A on the plus strand (G>T on the coding strand, the complement: MYH7 is on the minus strand). VCF-style: chr14-23425694-C-A. GRCh37 (hg19) VCF-style: chr14-23894903-C-A.
Other names: c.2286+1G>T (NM_001407004.1).
Identifiers: ClinVar variation 423553 (VCV000423553.16), dbSNP rs1064796489, ClinGen allele CA16619850.

ClinVar aggregate classification (germline): Uncertain significance. Review status: criteria provided, multiple submitters, no conflicts (2 of 4 stars). 4 submissions from 4 submitters: Uncertain significance (4). Last evaluated 2024-05-31.

Conditions:
Hypertrophic cardiomyopathy. Also called: HYPERTROPHIC MYOCARDIOPATHY. Identifiers: Orphanet 217569, MedGen C0007194, MeSH D002312, MONDO:0005045, HP:0001639.
Cardiomyopathy (CMYO). Also called: Cardiomyopathies. Identifiers: Orphanet 167848, MedGen C0878544, MONDO:0004994, HP:0001638. Inheritance: Various modes of inheritance.

Submissions (4):

Labcorp Genetics (formerly Invitae), Labcorp
Classification: Uncertain significance for Hypertrophic cardiomyopathy. Last evaluated: 2024-05-31. Review status: criteria provided, single submitter. Criteria: Invitae Variant Classification Sherloc (09022015). Collection method: clinical testing. Allele origin: germline.
Comment: This sequence change affects a donor splice site in intron 20 of the MYH7 gene. It is expected to disrupt RNA splicing. Variants that disrupt the donor or acceptor splice site typically lead to a loss of protein function (PMID: 16199547), however the current clinical and genetic evidence is not sufficient to establish whether loss-of-function variants in MYH7 cause disease. This variant is not present in population databases (gnomAD no frequency). This variant has not been reported in the literature in individuals affected with MYH7-related conditions. ClinVar contains an entry for this variant (Variation ID: 423553). Algorithms developed to predict the effect of sequence changes on RNA splicing suggest that this variant may disrupt the consensus splice site. In summary, the available evidence is currently insufficient to determine the role of this variant in disease. Therefore, it has been classified as a Variant of Uncertain Significance.

ARUP Laboratories, Molecular Genetics and Genomics, ARUP Laboratories
Classification: Uncertain significance. Last evaluated: 2019-09-14. Review status: criteria provided, single submitter. Criteria: ARUP Molecular Germline Variant Investigation Process. Collection method: clinical testing. Allele origin: germline.

Color Diagnostics, LLC DBA Color Health
Classification: Uncertain significance for Cardiomyopathy. Last evaluated: 2019-03-15. Review status: criteria provided, single submitter. Criteria: ACMG Guidelines, 2015. Collection method: clinical testing. Allele origin: germline.
Comment: Variant of Uncertain Significance due to insufficient evidence: This variant alters the canonical splice donor site in intron 20 of the MYH7 gene. Computational splicing tools strongly predict that this variant may disrupt splicing. To our knowledge, functional assays have not been performed for this variant nor has this variant been reported in individuals affected with cardiovascular disorders in the literature. This variant is rare in the general population and has been identified in 0/277264 chromosomes by the Genome Aggregation Database (gnomAD). Disease-causing variants in MYH7 are mostly missense variants that act in a dominant-negative manner. The role of MYH7 loss-of-function variants in cardiomyopathy is not clearly established. Available evidence is insufficient to determine the role of this variant in disease conclusively.

GeneDx
Classification: Uncertain significance. Last evaluated: 2017-02-13. Review status: criteria provided, single submitter. Criteria: GeneDx Variant Classification (06012015). Collection method: clinical testing. Allele origin: germline. Affected: yes.
Comment: The c.2286+1 G>T variant of uncertain significance in the MYH7 gene has not been published as pathogenic or been reported as benign to our knowledge. c.2286+1 G>T is not observed in large population cohorts (Lek et al., 2016; 1000 Genomes Consortium et al., 2015; Exome Variant Server). This substitution destroys the canonical splice donor site in intron 20 and is predicted to cause abnormal gene splicing; however, in the absence of functional mRNA studies, the physiological consequence of this variant on splicing cannot be precisely determined. Furthermore, while several other splice site variants in the MYH7 gene have been reported in HGMD in association with cardiomyopathy (Stenson et al., 2014), the vast majority of pathogenic variants in the MYH7 gene are missense changes, indicating haploinsufficiency of MYH7 may not be sufficient to cause disease.

Literature cited by the submitters: PubMed 16199547 (cited by Labcorp Genetics (formerly Invitae), Labcorp).